The following is an entry in ClinVar:

ClinVar aggregate classification (germline): Uncertain significance. Review status: criteria provided, multiple submitters, no conflicts (2 of 4 stars). 2 submissions from 2 submitters: Uncertain significance (2). Last evaluated 2025-04-03.

Conditions:
Inborn genetic diseases. Identifiers: MedGen C0950123, MeSH D030342.

Allele frequency attached by ClinVar (database versions not stated): ExAC 0.00001; gnomAD 0.00001 and 0.00002; TOPMed 0.00001.
gnomAD v4.1: 36 of 1,613,986 alleles (0.0022%); highest among the groups gnomAD compares: Non-Finnish European, 0.003%; no homozygotes.

Submissions (2):

Ambry Genetics
Classification: Uncertain significance for Inborn genetic diseases. Last evaluated: 2025-04-03. Review status: criteria provided, single submitter. Criteria: Ambry Variant Classification Scheme 2023. Collection method: clinical testing. Allele origin: germline.

Labcorp Genetics (formerly Invitae), Labcorp
Classification: Uncertain significance. Last evaluated: 2022-07-05. Review status: criteria provided, single submitter. Criteria: Invitae Variant Classification Sherloc (09022015). Collection method: clinical testing. Allele origin: germline.
Comment: This sequence change replaces glycine, which is neutral and non-polar, with alanine, which is neutral and non-polar, at codon 978 of the LTBP2 protein (p.Gly978Ala). This variant is present in population databases (rs777203280, gnomAD 0.002%). This variant has not been reported in the literature in individuals affected with LTBP2-related conditions. ClinVar contains an entry for this variant (Variation ID: 1416496). Algorithms developed to predict the effect of missense changes on protein structure and function (SIFT, PolyPhen-2, Align-GVGD) all suggest that this variant is likely to be disruptive. In summary, the available evidence is currently insufficient to determine the role of this variant in disease. Therefore, it has been classified as a Variant of Uncertain Significance.

NM_000428.3(LTBP2):c.2933G>C (p.Gly978Ala)

Gene: LTBP2 (latent transforming growth factor beta binding protein 2; minus strand). Cytogenetic location: 14q24.3.
Variant type: single nucleotide variant.
Coding change: c.2933G>C on transcript NM_000428.3 (MANE Select); coding-DNA position 2933, G replaced by C.
Protein change: p.Gly978Ala; replaces glycine 978 with alanine.
Molecular consequence: missense variant.
Genome position (GRCh38, 1-based): chr14:74,511,340, C>G on the plus strand (G>C on the coding strand, the complement: LTBP2 is on the minus strand). VCF-style: chr14-74511340-C-G. GRCh37 (hg19) VCF-style: chr14-74978043-C-G.
Other names: c.2933G>C (NM_000428.2); short protein forms G978A.
Identifiers: ClinVar variation 1416496 (VCV001416496.4), dbSNP rs777203280, ClinGen allele CA7269339.